The following is an entry in ClinVar:

NM_001849.4(COL6A2):c.2886C>T (p.His962=)

Gene: COL6A2 (collagen type VI alpha 2 chain; plus strand). Cytogenetic location: 21q22.3.
Variant type: single nucleotide variant.
Coding change: c.2886C>T on transcript NM_001849.4 (MANE Select); coding-DNA position 2886, C replaced by T.
Protein change: p.His962=; no amino-acid change (histidine 962 retained).
Molecular consequence: synonymous variant.
Genome position (GRCh38, 1-based): chr21:46,132,378, C>T. VCF-style: chr21-46132378-C-T. GRCh37 (hg19) VCF-style: chr21-47552292-C-T.
Identifiers: ClinVar variation 93949 (VCV000093949.21), dbSNP rs115970356, ClinGen allele CA147490.

ClinVar aggregate classification (germline): Benign/Likely benign. Review status: criteria provided, multiple submitters, no conflicts (2 of 4 stars). 5 submissions from 5 submitters: Benign (4); Likely benign (1). Last evaluated 2026-06-01.

Conditions:
Collagen 6-related myopathy. Identifiers: MedGen CN117976, MONDO:0100225.
Bethlem myopathy 1A. Also called: MYOPATHY, BENIGN CONGENITAL, WITH CONTRACTURES; Bethlem myopathy 1; Bethlem Muscular Dystrophy. Identifiers: Orphanet 610, MedGen CN029274, MONDO:0024530, OMIM 158810.

Allele frequency attached by ClinVar (database versions not stated): gnomAD exomes 0.00031 and 0.00084; ExAC 0.00112; 1000 Genomes Project 0.00339; gnomAD 0.00340 and 0.00365; 1000 Genomes Project 30x 0.00359; TOPMed 0.00405; ESP Exome Variant Server 0.00454.
gnomAD v4.1: 997 of 1,609,450 alleles (0.062%); highest among the groups gnomAD compares: African/African-American, 1.2%; 8 homozygotes.

Submissions (5):

CeGaT Center for Human Genetics Tuebingen
Classification: Likely benign. Last evaluated: 2026-06-01. Review status: criteria provided, single submitter. Criteria: CeGaT Center For Human Genetics Tuebingen Variant Classification Criteria Version 2. Collection method: clinical testing. Allele origin: germline. Affected: yes. Observed: 1 variant allele.
Comment: COL6A2: BP4, BS1

Labcorp Genetics (formerly Invitae), Labcorp
Classification: Benign for Bethlem myopathy 1A. Last evaluated: 2026-01-13. Review status: criteria provided, single submitter. Criteria: Invitae Variant Classification Sherloc (09022015). Collection method: clinical testing. Allele origin: germline.

Illumina Laboratory Services, Illumina
Classification: Benign for Collagen VI-related myopathy. Last evaluated: 2018-01-13. Review status: criteria provided, single submitter. Criteria: ICSL Variant Classification Criteria 13 December 2019. Collection method: clinical testing. Allele origin: germline.
Comment: This variant was observed in the ICSL laboratory as part of a predisposition screen in an ostensibly healthy population. It had not been previously curated by ICSL or reported in the Human Gene Mutation Database (HGMD: prior to June 1st, 2018), and was therefore a candidate for classification through an automated scoring system. Utilizing variant allele frequency, disease prevalence and penetrance estimates, and inheritance mode, an automated score was calculated to assess if this variant is too frequent to cause the disease. Based on the score and internal cut-off values, a variant classified as benign is not then subjected to further curation. The score for this variant resulted in a classification of benign for this disease.

GeneDx
Classification: Benign. Last evaluated: 2017-05-11. Review status: criteria provided, single submitter. Criteria: GeneDx Variant Classification (06012015). Collection method: clinical testing. Allele origin: germline. Affected: yes.
Comment: This variant is considered likely benign or benign based on one or more of the following criteria: it is a conservative change, it occurs at a poorly conserved position in the protein, it is predicted to be benign by multiple in silico algorithms, and/or has population frequency not consistent with disease.

Eurofins Ntd Llc (ga)
Classification: Benign. Last evaluated: 2012-11-16. Review status: criteria provided, single submitter. Criteria: EGL Classification Definitions 2015. Collection method: clinical testing. Allele origin: germline. Observed: 1 variant allele, 1 heterozygote.